The following is an entry in ClinVar:

NM_000414.4(HSD17B4):c.1122G>A (p.Leu374=)

Gene: HSD17B4 (hydroxysteroid 17-beta dehydrogenase 4; plus strand). Cytogenetic location: 5q23.1.
Variant type: single nucleotide variant.
Coding change: c.1122G>A on transcript NM_000414.4 (MANE Select); coding-DNA position 1122, G replaced by A.
Protein change: p.Leu374=; no amino-acid change (leucine 374 retained).
Molecular consequence: synonymous variant. On other transcripts: non-coding transcript variant (2).
Genome position (GRCh38, 1-based): chr5:119,499,466, G>A. VCF-style: chr5-119499466-G-A. GRCh37 (hg19) VCF-style: chr5-118835161-G-A.
Other names: c.1197G>A, p.Leu399= (NM_001199291.3); c.1068G>A, p.Leu356= (NM_001199292.2); c.1050G>A, p.Leu350= (NM_001292027.2); c.702G>A, p.Leu234= (NM_001292028.2); c.1113G>A, p.Leu371= (NM_001374497.1); c.1122G>A, p.Leu374= (NM_001374498.1); c.795G>A, p.Leu265= (NM_001374499.1); c.681G>A, p.Leu227= (NM_001374500.1); and 1 more.
Identifiers: ClinVar variation 2162976 (VCV002162976.28), dbSNP rs749665473, ClinGen allele CA3382092.
Genomic context (GRCh38, chr5:119,499,466, plus strand): 5'-AATCAAGGATCCAAAAGATTTGAAATTTATTTATGAAGGAAGTTCTGATTTCTCCTGTTT[G>A]CCCACCTTCGGAGTTATCATAGGTCAGAAATCTATGATGGGTGGAGGATTAGCAGAAATT-3'
Protein context (NP_000405.1, residues 364-384): IYEGSSDFSC[Leu374=]PTFGVIIGQK

ClinVar aggregate classification (germline): Likely benign. Review status: criteria provided, multiple submitters, no conflicts (2 of 4 stars). 2 submissions from 2 submitters: Likely benign (2). Last evaluated 2023-07-01.

Conditions:
Perrault syndrome. Also called: Gonadal dysgenesis with auditory dysfunction, autosomal recessive inheritance. Identifiers: Orphanet 2855, MedGen C0685838, MONDO:0017312.
Bifunctional peroxisomal enzyme deficiency (DBIF). Also called: PBFE DEFICIENCY; D-bifunctional protein deficiency; DBP DEFICIENCY. Identifiers: Orphanet 300, MedGen C0342870, MONDO:0009855, OMIM 261515. Disease mechanism: loss of function.

Allele frequency attached by ClinVar (database versions not stated): ExAC 0.00001.

Submissions (2):

CeGaT Center for Human Genetics Tuebingen
Classification: Likely benign. Last evaluated: 2023-07-01. Review status: criteria provided, single submitter. Criteria: CeGaT Center For Human Genetics Tuebingen Variant Classification Criteria Version 2. Collection method: clinical testing. Allele origin: germline. Affected: yes. Observed: 1 variant allele.
Comment: HSD17B4: BP4, BP7

Labcorp Genetics (formerly Invitae), Labcorp
Classification: Likely benign for Perrault syndrome; Bifunctional peroxisomal enzyme deficiency. Last evaluated: 2022-08-17. Review status: criteria provided, single submitter. Criteria: Invitae Variant Classification Sherloc (09022015). Collection method: clinical testing. Allele origin: germline.